The following is an entry in ClinVar:

ClinVar aggregate classification (germline): Benign/Likely benign. Review status: criteria provided, multiple submitters, no conflicts (2 of 4 stars). 3 submissions from 3 submitters: Benign (1); Likely benign (2). Last evaluated 2026-06-01.

Allele frequency attached by ClinVar (database versions not stated): ESP Exome Variant Server 0.00008; TOPMed 0.00012; gnomAD 0.00014 and 0.00042; gnomAD exomes 0.00102; ExAC 0.00115; 1000 Genomes Project 30x 0.00265; 1000 Genomes Project 0.00319.
gnomAD v4.1: 807 of 1,604,430 alleles (0.05%); highest among the groups gnomAD compares: South Asian, 0.63%; 9 homozygotes.

Submissions (4):

CeGaT Center for Human Genetics Tuebingen
Classification: Likely benign. Last evaluated: 2026-06-01. Review status: criteria provided, single submitter. Criteria: CeGaT Center For Human Genetics Tuebingen Variant Classification Criteria Version 2. Collection method: clinical testing. Allele origin: germline. Affected: yes. Observed: 1 variant allele.
Comment: NAF1: BP4

Labcorp Genetics (formerly Invitae), Labcorp
Classification: Benign. Last evaluated: 2026-01-08. Review status: criteria provided, single submitter. Criteria: Invitae Variant Classification Sherloc (09022015). Collection method: clinical testing. Allele origin: germline.

Genetic Services Laboratory, University of Chicago
Classification: Likely benign. Last evaluated: 2018-04-26. Review status: criteria provided, single submitter. Criteria: ACMG Guidelines, 2015. Collection method: clinical testing. Allele origin: germline. Affected: no.

Dr. Peter K. Rogan Lab, Western University
No classification provided (evidence only). Condition: Thymoma. Review status: no classification provided. Collection method: in vitro. Allele origin: not applicable. Functional consequence: retained intron. Not counted in ClinVar's aggregate classification.

NM_138386.3(NAF1):c.879-7C>G

Gene: NAF1 (nuclear assembly factor 1 ribonucleoprotein; minus strand). Cytogenetic location: 4q32.2.
Variant type: single nucleotide variant.
Coding change: c.879-7C>G on transcript NM_138386.3 (MANE Select); 7 bases into the intron before coding-DNA position 879, C replaced by G.
Molecular consequence: intron variant.
Genome position (GRCh38, 1-based): chr4:163,137,257, G>C on the plus strand (C>G on the coding strand, the complement: NAF1 is on the minus strand). VCF-style: chr4-163137257-G-C. GRCh37 (hg19) VCF-style: chr4-164058409-G-C.
Other names: c.879-7C>G (NM_001128931.2).
Identifiers: ClinVar variation 1336662 (VCV001336662.11), dbSNP rs201700729, ClinGen allele CA3126226.